The following is an entry in ClinVar:

ClinVar aggregate classification (germline): Uncertain significance. Review status: criteria provided, multiple submitters, no conflicts (2 of 4 stars). 2 submissions from 2 submitters: Uncertain significance (2). Last evaluated 2025-03-01.

Allele frequency attached by ClinVar (database versions not stated): gnomAD exomes 0.00001 and 0.00002; ExAC 0.00002; TOPMed 0.00003; gnomAD 0.00004 and 0.00005.
gnomAD v4.1: 30 of 1,509,914 alleles (0.002%); highest among the groups gnomAD compares: Admixed American, 0.0046%; no homozygotes.

Submissions (2):

Ambry Genetics
Classification: Uncertain significance. Last evaluated: 2025-03-01. Review status: criteria provided, single submitter. Criteria: Ambry Variant Classification Scheme 2023. Collection method: clinical testing. Allele origin: germline.

Labcorp Genetics (formerly Invitae), Labcorp
Classification: Uncertain significance. Last evaluated: 2023-11-27. Review status: criteria provided, single submitter. Criteria: Invitae Variant Classification Sherloc (09022015). Collection method: clinical testing. Allele origin: germline.
Comment: This sequence change replaces threonine, which is neutral and polar, with methionine, which is neutral and non-polar, at codon 457 of the CLCC1 protein (p.Thr457Met). This variant is present in population databases (rs763858570, gnomAD 0.005%). This variant has not been reported in the literature in individuals affected with CLCC1-related conditions. ClinVar contains an entry for this variant (Variation ID: 1383867). Algorithms developed to predict the effect of missense changes on protein structure and function output the following: SIFT: "Not Available"; PolyPhen-2: "Benign"; Align-GVGD: "Not Available". The methionine amino acid residue is found in multiple mammalian species, which suggests that this missense change does not adversely affect protein function. In summary, the available evidence is currently insufficient to determine the role of this variant in disease. Therefore, it has been classified as a Variant of Uncertain Significance.

NM_001377458.1(CLCC1):c.1370C>T (p.Thr457Met)

Gene: CLCC1 (chloride channel CLIC like 1; minus strand). Cytogenetic location: 1p13.3.
Variant type: single nucleotide variant.
Coding change: c.1370C>T on transcript NM_001377458.1 (MANE Select); coding-DNA position 1370, C replaced by T.
Protein change: p.Thr457Met; replaces threonine 457 with methionine.
Molecular consequence: missense variant. On other transcripts: non-coding transcript variant (1).
Genome position (GRCh38, 1-based): chr1:108,937,090, G>A on the plus strand (C>T on the coding strand, the complement: CLCC1 is on the minus strand). VCF-style: chr1-108937090-G-A. GRCh37 (hg19) VCF-style: chr1-109479712-G-A.
Other names: c.1370C>T, p.Thr457Met (NM_001048210.3, NM_001377459.1, NM_001377460.1 and 8 more transcripts); c.1007C>T, p.Thr336Met (NM_001278202.2); c.815C>T, p.Thr272Met (NM_001278203.1); c.1268C>T, p.Thr423Met (NM_001377469.1); c.1079C>T, p.Thr360Met (NM_001377470.1); c.1220C>T, p.Thr407Met (NM_015127.5); c.1370C>T (NM_001048210.1); short protein forms T336M, T272M, T423M, T360M, T407M, T457M.
Identifiers: ClinVar variation 1383867 (VCV001383867.5), dbSNP rs763858570, ClinGen allele CA983348.